The following is an entry in ClinVar:

ClinVar aggregate classification (germline): Uncertain significance. Review status: criteria provided, single submitter (1 of 4 stars). 2 submissions from 2 submitters: Uncertain significance (1). 1 of the submissions does not count toward it. Last evaluated 2022-08-15.

Conditions:
Nemaline myopathy 2 (NEM2). Also called: Nemaline myopathy 2, autosomal recessive. Identifiers: MedGen C1850569, MONDO:0009725, OMIM 256030.

Allele frequency attached by ClinVar (database versions not stated): gnomAD exomes 0.00001; ExAC 0.00002; TOPMed 0.00002; gnomAD 0.00003.

Submissions (2):

Labcorp Genetics (formerly Invitae), Labcorp
Classification: Uncertain significance for Nemaline myopathy 2. Last evaluated: 2022-08-15. Review status: criteria provided, single submitter. Criteria: Invitae Variant Classification Sherloc (09022015). Collection method: clinical testing. Allele origin: germline.
Comment: This sequence change replaces tyrosine, which is neutral and polar, with cysteine, which is neutral and slightly polar, at codon 3376 of the NEB protein (p.Tyr3376Cys). This variant is present in population databases (rs754298562, gnomAD 0.01%). This variant has not been reported in the literature in individuals affected with NEB-related conditions. ClinVar contains an entry for this variant (Variation ID: 533962). Algorithms developed to predict the effect of missense changes on protein structure and function are either unavailable or do not agree on the potential impact of this missense change (SIFT: "Deleterious"; PolyPhen-2: "Not Available"; Align-GVGD: "Class C0"). In summary, the available evidence is currently insufficient to determine the role of this variant in disease. Therefore, it has been classified as a Variant of Uncertain Significance.

Natera, Inc.
Classification: Uncertain significance for Nemaline myopathy type 2. Last evaluated: 2019-11-11. Review status: no assertion criteria provided. Collection method: clinical testing. Allele origin: germline. Not counted in ClinVar's aggregate classification.

NM_001164508.2(NEB):c.10127A>G (p.Tyr3376Cys)

Gene: NEB (nebulin; minus strand). Cytogenetic location: 2q23.3.
Variant type: single nucleotide variant.
Coding change: c.10127A>G on transcript NM_001164508.2 (MANE Select); coding-DNA position 10127, A replaced by G.
Protein change: p.Tyr3376Cys; replaces tyrosine 3376 with cysteine.
Molecular consequence: missense variant.
Genome position (GRCh38, 1-based): chr2:151,627,539, T>C on the plus strand (A>G on the coding strand, the complement: NEB is on the minus strand). VCF-style: chr2-151627539-T-C. GRCh37 (hg19) VCF-style: chr2-152484053-T-C.
Other names: c.10127A>G, p.Tyr3376Cys (NM_001164507.2, NM_001271208.2); c.9398A>G, p.Tyr3133Cys (NM_004543.5); short protein forms Y3376C, Y3133C.
Identifiers: ClinVar variation 533962 (VCV000533962.7), dbSNP rs754298562, ClinGen allele CA1909117.